The following is an entry in ClinVar:

ClinVar aggregate classification (germline): Uncertain significance. Review status: criteria provided, multiple submitters, no conflicts (2 of 4 stars). 2 submissions from 2 submitters: Uncertain significance (2). Last evaluated 2025-04-01.

Conditions:
Inborn genetic diseases. Identifiers: MedGen C0950123, MeSH D030342.

Submissions (2):

Ambry Genetics
Classification: Uncertain significance for Inborn genetic diseases. Last evaluated: 2025-04-01. Review status: criteria provided, single submitter. Criteria: Ambry Variant Classification Scheme 2023. Collection method: clinical testing. Allele origin: germline.
Comment: The p.D89N variant (also known as c.265G>A), located in coding exon 3 of the DDX41 gene, results from a G to A substitution at nucleotide position 265. The aspartic acid at codon 89 is replaced by asparagine, an amino acid with highly similar properties. This amino acid position is conserved. In addition, this alteration is predicted to be tolerated by in silico analysis. Based on the available evidence, the clinical significance of this variant remains unclear.

Labcorp Genetics (formerly Invitae), Labcorp
Classification: Uncertain significance. Last evaluated: 2023-03-17. Review status: criteria provided, single submitter. Criteria: Invitae Variant Classification Sherloc (09022015). Collection method: clinical testing. Allele origin: germline.
Comment: This sequence change replaces aspartic acid, which is acidic and polar, with asparagine, which is neutral and polar, at codon 89 of the DDX41 protein (p.Asp89Asn). This variant is not present in population databases (gnomAD no frequency). This variant has not been reported in the literature in individuals affected with DDX41-related conditions. An algorithm developed to predict the effect of missense changes on protein structure and function (PolyPhen-2) suggests that this variant is likely to be disruptive. In summary, the available evidence is currently insufficient to determine the role of this variant in disease. Therefore, it has been classified as a Variant of Uncertain Significance.

NM_016222.4(DDX41):c.265G>A (p.Asp89Asn)

Gene: DDX41 (DEAD-box helicase 41; minus strand). Cytogenetic location: 5q35.3.
Variant type: single nucleotide variant.
Coding change: c.265G>A on transcript NM_016222.4 (MANE Select); coding-DNA position 265, G replaced by A.
Protein change: p.Asp89Asn; replaces aspartic acid 89 with asparagine.
Molecular consequence: missense variant. On other transcripts: 5 prime UTR variant (2).
Genome position (GRCh38, 1-based): chr5:177,516,321, C>T on the plus strand (G>A on the coding strand, the complement: DDX41 is on the minus strand). VCF-style: chr5-177516321-C-T. GRCh37 (hg19) VCF-style: chr5-176943322-C-T.
Other names: c.265G>A (NM_016222.2); c.-114G>A (NM_001321732.2, NM_001321830.2); short protein forms D89N.
Identifiers: ClinVar variation 2806353 (VCV002806353.4), dbSNP rs2532089979, ClinGen allele CA362377129.